The following is an entry in ClinVar:

ClinVar aggregate classification (germline): Pathogenic. Review status: criteria provided, multiple submitters, no conflicts (2 of 4 stars). 3 submissions from 3 submitters: Pathogenic (2). 1 of the submissions does not count toward it. Last evaluated 2025-07-30.

Conditions:
Malignant tumor of pancreas. Also called: Cancer of the pancreas; Pancreatic cancer; Malignant pancreatic neoplasm. Identifiers: MedGen C0346647, MONDO:0009831.
Hereditary cancer-predisposing syndrome. Also called: Hereditary neoplastic syndrome; Neoplastic Syndromes, Hereditary; Tumor predisposition; Hereditary Cancer Syndrome. Identifiers: Orphanet 140162, MedGen C0027672, MeSH D009386, MONDO:0015356.
Familial cancer of breast. Also called: hereditary breast carcinoma; Hereditary breast cancer; BREAST CANCER, FAMILIAL. Identifiers: Orphanet 227535, MedGen C0346153, MONDO:0016419, OMIM 114480. Disease mechanism: loss of function.

Submissions (3):

Labcorp Genetics (formerly Invitae), Labcorp
Classification: Pathogenic for Familial cancer of breast. Last evaluated: 2025-07-30. Review status: criteria provided, single submitter. Criteria: Invitae Variant Classification Sherloc (09022015). Collection method: clinical testing. Allele origin: germline.
Comment: This sequence change creates a premature translational stop signal (p.Tyr551*) in the PALB2 gene. It is expected to result in an absent or disrupted protein product. Loss-of-function variants in PALB2 are known to be pathogenic (PMID: 17200668, 17200671, 17200672, 24136930, 25099575). This variant is not present in population databases (gnomAD no frequency). This premature translational stop signal has been observed in individual(s) with breast cancer (PMID: 23935381, 24870022, 28319063). ClinVar contains an entry for this variant (Variation ID: 560017). For these reasons, this variant has been classified as Pathogenic.

Ambry Genetics
Classification: Pathogenic for Hereditary cancer-predisposing syndrome. Last evaluated: 2024-07-11. Review status: criteria provided, single submitter. Criteria: Ambry Variant Classification Scheme 2023. Collection method: clinical testing. Allele origin: germline.
Comment: The c.1652dupA pathogenic mutation, located in coding exon 4 of the PALB2 gene, results from a duplication of A at nucleotide position 1652, causing a translational frameshift with a predicted alternate stop codon (p.Y551*). This variant is considered to be rare based on population cohorts in the Genome Aggregation Database (gnomAD). This alteration is expected to result in loss of function by premature protein truncation or nonsense-mediated mRNA decay. As such, this alteration is interpreted as a disease-causing mutation.

3DMed Clinical Laboratory Inc
Classification: Pathogenic for Cancer of the pancreas. Last evaluated: 2017-11-20. Review status: no assertion criteria provided. Criteria: ACMG Guidelines, 2015. Collection method: clinical testing. Allele origin: germline. Affected: yes. Not counted in ClinVar's aggregate classification.

Literature cited by the submitters: PubMed 17200668 (cited by Labcorp Genetics (formerly Invitae), Labcorp); PubMed 17200671 (cited by Labcorp Genetics (formerly Invitae), Labcorp); PubMed 17200672 (cited by Labcorp Genetics (formerly Invitae), Labcorp); PubMed 24136930 (cited by Labcorp Genetics (formerly Invitae), Labcorp); PubMed 25099575 (cited by Labcorp Genetics (formerly Invitae), Labcorp); PubMed 23935381 (cited by Labcorp Genetics (formerly Invitae), Labcorp); PubMed 24870022 (cited by Labcorp Genetics (formerly Invitae), Labcorp); PubMed 28319063 (cited by Labcorp Genetics (formerly Invitae), Labcorp).

NM_024675.4(PALB2):c.1652dup (p.Tyr551Ter)

Gene: PALB2 (partner and localizer of BRCA2; minus strand). Cytogenetic location: 16p12.2.
Variant type: Duplication.
Coding change: c.1652dup on transcript NM_024675.4 (MANE Select); coding-DNA position 1652, one base duplicated (A; older notation c.1652dupA).
Protein change: p.Tyr551Ter; replaces tyrosine 551 with a stop codon.
Molecular consequence: nonsense.
Genome position (GRCh38, 1-based): chr16:23,634,894, T duplicated on the plus strand (A on the coding strand, the reverse complement: PALB2 is on the minus strand). VCF-style (leftmost placement, unchanged base first): chr16-23634893-A-AT. GRCh37 (hg19) VCF-style: chr16-23646214-A-AT.
Other names: c.1652dupA (NM_024675.3); short protein forms Y551*.
Identifiers: ClinVar variation 560017 (VCV000560017.11), dbSNP rs1555461176, ClinGen allele CA658823898.